The following is an entry in ClinVar:

NM_001367561.1(DOCK7):c.6299G>T (p.Arg2100Leu)

Gene: DOCK7 (dedicator of cytokinesis 7; minus strand). Cytogenetic location: 1p31.3.
Variant type: single nucleotide variant.
Coding change: c.6299G>T on transcript NM_001367561.1 (MANE Select); coding-DNA position 6299, G replaced by T.
Protein change: p.Arg2100Leu; replaces arginine 2100 with leucine.
Molecular consequence: missense variant.
Genome position (GRCh38, 1-based): chr1:62,457,619, C>A on the plus strand (G>T on the coding strand, the complement: DOCK7 is on the minus strand). VCF-style: chr1-62457619-C-A. GRCh37 (hg19) VCF-style: chr1-62923290-C-A.
Other names: c.6266G>T, p.Arg2089Leu (NM_001271999.2); c.6179G>T, p.Arg2060Leu (NM_001272000.2); c.6173G>T, p.Arg2058Leu (NM_001272001.2); c.6272G>T, p.Arg2091Leu (NM_001330614.2); c.6206G>T, p.Arg2069Leu (NM_033407.4); short protein forms R2091L, R2069L, R2058L, R2060L, R2089L, R2100L.
Identifiers: ClinVar variation 1042356 (VCV001042356.7), dbSNP rs759726839, ClinGen allele CA340598876.
Genomic context (GRCh38, chr1:62,457,619, plus strand): 5'-ACTGCCTTGTATAACTGAGGGATCTTTCTGTTGATCAGTGGCTGTAGGGCCTCTTTAAGG[C>A]GATGATAGTTTCTCTCCAGTTCCCTTTGATACTCCTTTTGATCCGGCCCAATTAAGCTCT-3'
Protein context (NP_001354490.1, residues 2090-2110): YQRELERNYH[Arg2100Leu]LKEALQPLIN

ClinVar aggregate classification (germline): Uncertain significance (1 of 4 stars; one submission).

Conditions:
Developmental and epileptic encephalopathy, 23 (DEE23). Also called: Epileptic encephalopathy, early infantile, 23. Identifiers: Orphanet 411986, MedGen C4014492, MONDO:0014371, OMIM 615859.

Submission:

Labcorp Genetics (formerly Invitae), Labcorp
Classification: Uncertain significance for Developmental and epileptic encephalopathy, 23. Last evaluated: 2022-02-22. Review status: criteria provided, single submitter. Criteria: Invitae Variant Classification Sherloc (09022015). Collection method: clinical testing. Allele origin: germline.
Comment: In summary, the available evidence is currently insufficient to determine the role of this variant in disease. Therefore, it has been classified as a Variant of Uncertain Significance. Algorithms developed to predict the effect of missense changes on protein structure and function are either unavailable or do not agree on the potential impact of this missense change (SIFT: "Deleterious"; PolyPhen-2: "Probably Damaging"; Align-GVGD: "Class C15"). ClinVar contains an entry for this variant (Variation ID: 1042356). This variant has not been reported in the literature in individuals affected with DOCK7-related conditions. This variant is not present in population databases (gnomAD no frequency). This sequence change replaces arginine, which is basic and polar, with leucine, which is neutral and non-polar, at codon 2089 of the DOCK7 protein (p.Arg2089Leu).